The following is an entry in ClinVar:

NM_001042492.3(NF1):c.6427+5G>T

Gene: NF1 (neurofibromin 1; plus strand). Cytogenetic location: 17q11.2.
Variant type: single nucleotide variant.
Coding change: c.6427+5G>T on transcript NM_001042492.3 (MANE Select); 5 bases into the intron after coding-DNA position 6427, G replaced by T.
Molecular consequence: intron variant.
Genome position (GRCh38, 1-based): chr17:31,336,919, G>T. VCF-style: chr17-31336919-G-T. GRCh37 (hg19) VCF-style: chr17-29663937-G-T.
Other names: c.6364+5G>T (NM_000267.4).
Identifiers: ClinVar variation 2115079 (VCV002115079.4), dbSNP rs1060500311, ClinGen allele CA2580093347.

ClinVar aggregate classification (germline): Uncertain significance (1 of 4 stars; one submission).

Conditions:
Neurofibromatosis, type 1 (NF1). Also called: NEUROFIBROMATOSIS, TYPE I, SOMATIC; Neurofibromatosis, type I; Peripheral type neurofibromatosis; VON RECKLINGHAUSEN DISEASE. Identifiers: Orphanet 636, MedGen C0027831, MONDO:0018975, OMIM 162200. Disease mechanism: loss of function.

Submission:

Labcorp Genetics (formerly Invitae), Labcorp
Classification: Uncertain significance for Neurofibromatosis, type 1. Last evaluated: 2022-03-20. Review status: criteria provided, single submitter. Criteria: Invitae Variant Classification Sherloc (09022015). Collection method: clinical testing. Allele origin: germline.
Comment: This sequence change falls in intron 41 of the NF1 gene. It does not directly change the encoded amino acid sequence of the NF1 protein. It affects a nucleotide within the consensus splice site. This variant is not present in population databases (gnomAD no frequency). This variant has not been reported in the literature in individuals affected with NF1-related conditions. Variants that disrupt the consensus splice site are a relatively common cause of aberrant splicing (PMID: 17576681, 9536098). Algorithms developed to predict the effect of sequence changes on RNA splicing suggest that this variant may disrupt the consensus splice site. In summary, the available evidence is currently insufficient to determine the role of this variant in disease. Therefore, it has been classified as a Variant of Uncertain Significance.

Literature cited by the submitters: PubMed 17576681; PubMed 9536098.